The following is an entry in ClinVar:

NC_000016.9:g.(?_89574826)_(89583809_?)dup

Gene: SPG7 (SPG7 matrix AAA peptidase subunit, paraplegin; plus strand). Cytogenetic location: 16q24.3.
Variant type: Duplication.
Identifiers: ClinVar variation 2424628 (VCV002424628.2).

ClinVar aggregate classification (germline): Uncertain significance (1 of 4 stars; one submission).

Conditions:
Hereditary spastic paraplegia 7 (SPG7). Also called: SPG7-related neurologic disorder; Autosomal recessive spastic paraplegia type 7; SPASTIC PARAPLEGIA 7, AUTOSOMAL RECESSIVE, WITH OR WITHOUT CEREBELLAR ATAXIA; Spastic paraplegia 7; Hereditary spastic paraplegia Paraplegin type. Identifiers: Orphanet 99013, MedGen C1846564, MONDO:0011803, OMIM 607259.

Submission:

Labcorp Genetics (formerly Invitae), Labcorp
Classification: Uncertain significance for Hereditary spastic paraplegia 7. Last evaluated: 2022-08-09. Review status: criteria provided, single submitter. Criteria: Invitae Variant Classification Sherloc (09022015). Collection method: clinical testing. Allele origin: germline.
Comment: In summary, the available evidence is currently insufficient to determine the role of this variant in disease. Therefore, it has been classified as a Variant of Uncertain Significance. Experimental studies and prediction algorithms are not available or were not evaluated, and the functional significance of this variant is currently unknown. This variant has not been reported in the literature in individuals affected with SPG7-related conditions. This variant results in a copy number gain of the genomic region encompassing exon(s) 1-3 of the SPG7 gene. This region includes the initiator codon of the gene. This copy number gain extends beyond the assayed region for this gene and therefore may encompass additional genes. As the precise location of this event is unknown, it may be in tandem or it may be located elsewhere in the genome.